The following is an entry in ClinVar:

ClinVar aggregate classification (germline): Uncertain significance (1 of 4 stars; one submission).

Submission:

Labcorp Genetics (formerly Invitae), Labcorp
Classification: Uncertain significance. Last evaluated: 2022-05-30. Review status: criteria provided, single submitter. Criteria: Invitae Variant Classification Sherloc (09022015). Collection method: clinical testing. Allele origin: germline.
Comment: This sequence change affects codon 409 of the STAT4 mRNA. It is a 'silent' change, meaning that it does not change the encoded amino acid sequence of the STAT4 protein. This variant is not present in population databases (gnomAD no frequency). This variant has not been reported in the literature in individuals affected with STAT4-related conditions. Algorithms developed to predict the effect of sequence changes on RNA splicing suggest that this variant may disrupt the consensus splice site. In summary, the available evidence is currently insufficient to determine the role of this variant in disease. Therefore, it has been classified as a Variant of Uncertain Significance.

NM_003151.4(STAT4):c.1227C>T (p.Ser409=)

Gene: STAT4 (signal transducer and activator of transcription 4; minus strand). Cytogenetic location: 2q32.2.
Variant type: single nucleotide variant.
Coding change: c.1227C>T on transcript NM_003151.4 (MANE Select); coding-DNA position 1227, C replaced by T.
Protein change: p.Ser409=; no amino-acid change (serine 409 retained).
Molecular consequence: synonymous variant.
Genome position (GRCh38, 1-based): chr2:191,054,514, G>A on the plus strand (C>T on the coding strand, the complement: STAT4 is on the minus strand). VCF-style: chr2-191054514-G-A. GRCh37 (hg19) VCF-style: chr2-191919240-G-A.
Other names: c.1227C>T, p.Ser409= (NM_001243835.2).
Identifiers: ClinVar variation 1963954 (VCV001963954.5), dbSNP rs2470732281, ClinGen allele CA430337126.